The following is an entry in ClinVar:

ClinVar aggregate classification (germline): Benign/Likely benign. Review status: criteria provided, multiple submitters, no conflicts (2 of 4 stars). 6 submissions from 6 submitters: Benign (2); Likely benign (4). Last evaluated 2025-11-28.

Conditions:
Hereditary cancer-predisposing syndrome. Also called: Neoplastic Syndromes, Hereditary; Hereditary neoplastic syndrome; Hereditary Cancer Syndrome; Tumor predisposition. Identifiers: Orphanet 140162, MedGen C0027672, MeSH D009386, MONDO:0015356.
Tuberous sclerosis syndrome (TSC). Also called: Tuberous Sclerosis Complex; Tuberous sclerosis. Identifiers: Orphanet 805, MedGen C0041341, MONDO:0001734.
Tuberous sclerosis 1 (TSC1). Identifiers: Orphanet 805, MedGen C1854465, MONDO:0008612, OMIM 191100.

Allele frequency attached by ClinVar (database versions not stated): gnomAD exomes below 0.00001 and 0.00004; ExAC 0.00001; gnomAD 0.00001; TOPMed 0.00002.
gnomAD v4.1: 57 of 1,614,012 alleles (0.0035%); highest among the groups gnomAD compares: Non-Finnish European, 0.0048%; no homozygotes.

Submissions (6):

Labcorp Genetics (formerly Invitae), Labcorp
Classification: Likely benign for Tuberous sclerosis 1. Last evaluated: 2025-11-28. Review status: criteria provided, single submitter. Criteria: Invitae Variant Classification Sherloc (09022015). Collection method: clinical testing. Allele origin: germline.

Myriad Genetics, Inc.
Classification: Benign for Tuberous sclerosis 1. Last evaluated: 2025-04-09. Review status: criteria provided, single submitter. Criteria: Myriad Autosomal Dominant, Autosomal Recessive and X-Linked Classification Criteria (2023). Collection method: clinical testing. Allele origin: unknown.
Comment: This variant is considered benign. This variant is a silent/synonymous amino acid change and it is not expected to impact splicing.

Color Diagnostics, LLC DBA Color Health
Classification: Likely benign for Tuberous sclerosis syndrome. Last evaluated: 2024-02-06. Review status: criteria provided, single submitter. Criteria: ACMG Guidelines, 2015. Collection method: clinical testing. Allele origin: germline.

Genome-Nilou Lab
Classification: Benign for Tuberous sclerosis 1. Last evaluated: 2021-11-07. Review status: criteria provided, single submitter. Criteria: ACMG Guidelines, 2015. Collection method: clinical testing. Allele origin: germline. Affected: no.

Ambry Genetics
Classification: Likely benign for Hereditary cancer-predisposing syndrome. Last evaluated: 2018-01-24. Review status: criteria provided, single submitter. Criteria: Ambry Variant Classification Scheme 2023. Collection method: clinical testing. Allele origin: germline.

PreventionGenetics, part of Exact Sciences
Classification: Likely benign. Review status: criteria provided, single submitter. Criteria: ACMG Guidelines, 2015. Collection method: clinical testing. Allele origin: germline.

NM_000368.5(TSC1):c.1248C>T (p.Val416=)

Gene: TSC1 (TSC complex subunit 1; minus strand). Cytogenetic location: 9q34.13.
Variant type: single nucleotide variant.
Coding change: c.1248C>T on transcript NM_000368.5 (MANE Select); coding-DNA position 1248, C replaced by T.
Protein change: p.Val416=; no amino-acid change (valine 416 retained).
Molecular consequence: synonymous variant.
Genome position (GRCh38, 1-based): chr9:132,910,586, G>A on the plus strand (C>T on the coding strand, the complement: TSC1 is on the minus strand). VCF-style: chr9-132910586-G-A. GRCh37 (hg19) VCF-style: chr9-135785973-G-A.
Other names: c.1245C>T, p.Val415= (NM_001162426.2); c.1095C>T, p.Val365= (NM_001162427.2); c.885C>T, p.Val295= (NM_001362177.2).
Identifiers: ClinVar variation 255946 (VCV000255946.17), dbSNP rs777823426, ClinGen allele CA027390.